The following is an entry in ClinVar:

ClinVar aggregate classification (germline): Benign. Review status: criteria provided, multiple submitters, no conflicts (2 of 4 stars). 3 submissions from 3 submitters: Benign (3). Last evaluated 2018-11-10.

Conditions:
Hyaline fibromatosis syndrome (HFS). Also called: Hyalinosis, Inherited Systemic; HYALINOSIS, SYSTEMIC. Identifiers: Orphanet 2028, Orphanet 498474, MedGen C5574677, MONDO:0009229, OMIM 228600.

Allele frequency attached by ClinVar (database versions not stated): 1000 Genomes Project 30x 0.37461; TOPMed 0.37680; 1000 Genomes Project 0.37720; gnomAD 0.38249 and 0.38511; gnomAD exomes 0.38350.
gnomAD v4.1: 521,866 of 1,359,096 alleles (38%); highest among the groups gnomAD compares: South Asian, 57%; 102,550 homozygotes.

Submissions (3):

GeneDx
Classification: Benign. Last evaluated: 2018-11-10. Review status: criteria provided, single submitter. Criteria: GeneDx Variant Classification Process June 2021. Collection method: clinical testing. Allele origin: germline. Affected: yes.

Illumina Laboratory Services, Illumina
Classification: Benign for Hyaline fibromatosis syndrome. Last evaluated: 2018-01-12. Review status: criteria provided, single submitter. Criteria: ICSL Variant Classification Criteria 13 December 2019. Collection method: clinical testing. Allele origin: germline.
Comment: This variant was observed in the ICSL laboratory as part of a predisposition screen in an ostensibly healthy population. It had not been previously curated by ICSL or reported in the Human Gene Mutation Database (HGMD: prior to June 1st, 2018), and was therefore a candidate for classification through an automated scoring system. Utilizing variant allele frequency, disease prevalence and penetrance estimates, and inheritance mode, an automated score was calculated to assess if this variant is too frequent to cause the disease. Based on the score and internal cut-off values, a variant classified as benign is not then subjected to further curation. The score for this variant resulted in a classification of benign for this disease.

Breakthrough Genomics
Classification: Benign. Review status: criteria provided, single submitter. Criteria: ACMG Guidelines, 2015. Collection method: not provided. Allele origin: germline. Inheritance: Autosomal recessive inheritance. Affected: yes.

NM_058172.6(ANTXR2):c.-82C>A

Genes: ANTXR2 (ANTXR cell adhesion molecule 2; minus strand), LOC129992737 (ATAC-STARR-seq lymphoblastoid silent region 15516; plus strand). Cytogenetic location: 4q21.21.
Variant type: single nucleotide variant.
Coding change: c.-82C>A on transcript NM_058172.6 (MANE Select); 82 bases upstream of the start codon, C replaced by A.
Molecular consequence: 5 prime UTR variant. On other transcripts: intron variant (2).
Genome position (GRCh38, 1-based): chr4:80,072,642, G>T on the plus strand (C>A on the coding strand, the complement: ANTXR2 is on the minus strand). VCF-style: chr4-80072642-G-T. GRCh37 (hg19) VCF-style: chr4-80993796-G-T.
Other names: c.-82C>A (NM_001145794.2); c.-80+753C>A (NM_001286780.2); c.-80+67C>A (NM_001286781.2).
Identifiers: ClinVar variation 349890 (VCV000349890.8), dbSNP rs13140055, ClinGen allele CA10618482.